The following is an entry in ClinVar:

ClinVar aggregate classification (germline): Conflicting classifications of pathogenicity. Review status: criteria provided, conflicting classifications (1 of 4 stars). 13 submissions from 13 submitters: Uncertain significance (2); Benign (1); Likely benign (9). 1 of the submissions does not count toward it. Last evaluated 2026-08-01.

Conditions:
Nemaline myopathy 2 (NEM2). Also called: Nemaline myopathy 2, autosomal recessive. Identifiers: MedGen C1850569, MONDO:0009725, OMIM 256030.

Allele frequency attached by ClinVar (database versions not stated): 1000 Genomes Project 30x 0.00109; 1000 Genomes Project 0.00140; ESP Exome Variant Server 0.00162; gnomAD 0.00187 and 0.00204; TOPMed 0.00207; gnomAD exomes 0.00221 and 0.00286; ExAC 0.00229.
gnomAD v4.1: 4,550 of 1,613,846 alleles (0.28%); highest among the groups gnomAD compares: South Asian, 0.59%; 18 homozygotes.

Submissions (13):

CeGaT Center for Human Genetics Tuebingen
Classification: Likely benign. Last evaluated: 2026-08-01. Review status: criteria provided, single submitter. Criteria: CeGaT Center For Human Genetics Tuebingen Variant Classification Criteria Version 2. Collection method: clinical testing. Allele origin: germline. Affected: yes. Observed: 12 variant alleles.
Comment: NEB: BP4, BS2

Labcorp Genetics (formerly Invitae), Labcorp
Classification: Likely benign for Nemaline myopathy 2. Last evaluated: 2026-02-01. Review status: criteria provided, single submitter. Criteria: Invitae Variant Classification Sherloc (09022015). Collection method: clinical testing. Allele origin: germline.

Athena Diagnostics
Classification: Benign. Last evaluated: 2025-03-24. Review status: criteria provided, single submitter. Criteria: Athena Diagnostics Criteria. Collection method: clinical testing. Allele origin: unknown.
Comment: The frequency of this variant in the general population is higher than would generally be expected for pathogenic variants in this gene. Computational tools predict this amino acid change may be benign.

Blueprint Genetics
Classification: Likely benign. Last evaluated: 2024-11-06. Review status: criteria provided, single submitter. Criteria: ACMG Guidelines, 2015. Collection method: clinical testing. Allele origin: germline.

Women's Health and Genetics/Laboratory Corporation of America, LabCorp
Classification: Likely benign. Last evaluated: 2022-12-19. Review status: criteria provided, single submitter. Criteria: LabCorp Variant Classification Summary - May 2015. Collection method: clinical testing. Allele origin: germline.
Comment: Variant summary: NEB c.17497G>A (p.Val5833Ile) results in a conservative amino acid change in the encoded protein sequence. Three of four in-silico tools predict a benign effect of the variant on protein function. The variant allele was found at a frequency of 0.0022 in 249108 control chromosomes, predominantly at a frequency of 0.0058 within the South Asian subpopulation in the gnomAD database, including 2 homozygotes. The observed variant frequency within South Asian control individuals in the gnomAD database is approximately 2 fold of the estimated maximal expected allele frequency for a pathogenic variant in NEB causing Nemaline Myopathy 2 phenotype (0.0035), strongly suggesting that the variant is a benign polymorphism found primarily in populations of South Asian origin. c.17497G>A has been reported in the literature in individuals affected with prostate cancer as well as in controls (Karyadi_2017). The report does not provide unequivocal conclusions about association of the variant with Nemaline Myopathy 2. To our knowledge, no experimental evidence demonstrating an impact on protein function has been reported. Eight ClinVar submitters (evaluation after 2014) cite this variant as uncertain significance (n=2) and likely benign (n=6). Based on the evidence outlined above, the variant was classified as likely benign.

Genome-Nilou Lab
Classification: Uncertain significance for Nemaline myopathy 2. Last evaluated: 2021-05-18. Review status: criteria provided, single submitter. Criteria: ACMG Guidelines, 2015. Collection method: clinical testing. Allele origin: germline. Affected: no.

GeneDx
Classification: Likely benign. Last evaluated: 2020-09-21. Review status: criteria provided, single submitter. Criteria: GeneDx Variant Classification Process June 2021. Collection method: clinical testing. Allele origin: germline. Affected: yes.

Dubai Health Genomic Medicine Center, Dubai Health
Classification: Likely benign for Nemaline myopathy 2. Last evaluated: 2020-09-07. Review status: criteria provided, single submitter. Criteria: ACMG Guidelines, 2015. Collection method: clinical testing. Allele origin: germline. Affected: yes.

Illumina Laboratory Services, Illumina
Classification: Likely benign for Nemaline myopathy 2. Last evaluated: 2018-01-13. Review status: criteria provided, single submitter. Criteria: ICSL Variant Classification Criteria 13 December 2019. Collection method: clinical testing. Allele origin: germline.
Comment: This variant was observed in the ICSL laboratory as part of a predisposition screen in an ostensibly healthy population. It had not been previously curated by ICSL or reported in the Human Gene Mutation Database (HGMD: prior to June 1st, 2018), and was therefore a candidate for classification through an automated scoring system. Utilizing variant allele frequency, disease prevalence and penetrance estimates, and inheritance mode, an automated score was calculated to assess if this variant is too frequent to cause the disease. Based on the score and internal cut-off values, a variant classified as likely benign is not then subjected to further curation. The score for this variant resulted in a classification of likely benign for this disease.

Eurofins Ntd Llc (ga)
Classification: Likely benign. Last evaluated: 2017-10-17. Review status: criteria provided, single submitter. Criteria: EGL Classification Definitions 2015. Collection method: clinical testing. Allele origin: germline. Observed: 1 variant allele, 1 heterozygote.

Genomic Diagnostic Laboratory, Division of Genomic Diagnostics, Children's Hospital of Philadelphia
Classification: Uncertain significance. Last evaluated: 2015-07-20. Review status: criteria provided, single submitter. Criteria: DGD Variant Analysis Guidelines. Collection method: clinical testing. Allele origin: unknown.

PreventionGenetics, part of Exact Sciences
Classification: Likely benign. Review status: criteria provided, single submitter. Criteria: ACMG Guidelines, 2015. Collection method: clinical testing. Allele origin: germline.

Natera, Inc.
Classification: Likely benign for Nemaline myopathy type 2. Last evaluated: 2020-01-06. Review status: no assertion criteria provided. Collection method: clinical testing. Allele origin: germline. Not counted in ClinVar's aggregate classification.

Literature cited by the submitters: PubMed 29970176 (cited by Athena Diagnostics); PubMed 27902461 (cited by Women's Health and Genetics/Laboratory Corporation of America, LabCorp).

NM_001164508.2(NEB):c.17497G>A (p.Val5833Ile)

Gene: NEB (nebulin; minus strand). Cytogenetic location: 2q23.3.
Variant type: single nucleotide variant.
Coding change: c.17497G>A on transcript NM_001164508.2 (MANE Select); coding-DNA position 17497, G replaced by A.
Protein change: p.Val5833Ile; replaces valine 5833 with isoleucine.
Molecular consequence: missense variant.
Genome position (GRCh38, 1-based): chr2:151,569,306, C>T on the plus strand (G>A on the coding strand, the complement: NEB is on the minus strand). VCF-style: chr2-151569306-C-T. GRCh37 (hg19) VCF-style: chr2-152425820-C-T.
Other names: c.17497G>A, p.Val5833Ile (NM_001164507.2, NM_001271208.2); c.12394G>A, p.Val4132Ile (NM_004543.5); short protein forms V5833I, V4132I.
Identifiers: ClinVar variation 252580 (VCV000252580.54), dbSNP rs149881695, ClinGen allele CA1908199.